The following is an entry in ClinVar:

NM_001110556.2(FLNA):c.5879dup (p.Met1960fs)

Gene: FLNA (filamin A; minus strand). Cytogenetic location: Xq28.
Variant type: Duplication.
Coding change: c.5879dup on transcript NM_001110556.2 (MANE Select); coding-DNA position 5879, one base duplicated (T; older notation c.5879dupT).
Protein change: p.Met1960fs; shifts the reading frame from methionine 1960.
Molecular consequence: frameshift variant.
Genome position (GRCh38, 1-based): chrX:154,353,439, A duplicated on the plus strand (T on the coding strand, the reverse complement: FLNA is on the minus strand). VCF-style (leftmost placement, unchanged base first): chrX-154353438-C-CA. GRCh37 (hg19) VCF-style: chrX-153581806-C-CA.
Other names: c.5855dupT (NM_001456.3); c.5855dup, p.Met1952fs (NM_001456.4); short protein forms M1960fs, M1952fs.
Identifiers: ClinVar variation 647567 (VCV000647567.8), dbSNP rs1603359464, ClinGen allele CA915952158.

ClinVar aggregate classification (germline): Pathogenic (1 of 4 stars; one submission).

Conditions:
Heterotopia, periventricular, X-linked dominant (PVNH1). Also called: PERIVENTRICULAR NODULAR HETEROTOPIA 4; HETEROTOPIA, PERIVENTRICULAR, 1; PERIVENTRICULAR NODULAR HETEROTOPIA 1; X-linked periventricular heterotopia. Identifiers: Orphanet 2149, Orphanet 82004, MedGen C1848213, MONDO:0010233, OMIM 300049.
Oto-palato-digital syndrome, type II (OPD2). Also called: Otopalatodigital Syndrome, Type II; FACIOPALATOOSSEOUS SYNDROME; OPD II SYNDROME; Otopalatodigital Syndrome Type 2 (FLNA-OPD2). Identifiers: Orphanet 669, Orphanet 90652, MedGen C1844696, MONDO:0010571, OMIM 304120.
Melnick-Needles syndrome (MNS). Also called: MELNICK-NEEDLES OSTEODYSPLASTY; OSTEODYSPLASTY OF MELNICK AND NEEDLES; Melnick-Needles Syndrome (FLNA-MNS). Identifiers: Orphanet 2484, MedGen C0025237, MONDO:0010650, OMIM 309350.
Frontometaphyseal dysplasia (FMD1). Identifiers: Orphanet 1826, MedGen C0265293, MONDO:0015942.

Submission:

Labcorp Genetics (formerly Invitae), Labcorp
Classification: Pathogenic for Oto-palato-digital syndrome, type II; Heterotopia, periventricular, X-linked dominant; Frontometaphyseal dysplasia; Melnick-Needles syndrome. Last evaluated: 2018-10-12. Review status: criteria provided, single submitter. Criteria: Invitae Variant Classification Sherloc (09022015). Collection method: clinical testing. Allele origin: germline.
Comment: This variant is not present in population databases (ExAC no frequency). For these reasons, this variant has been classified as Pathogenic. Loss-of-function variants in FLNA are known to be pathogenic (PMID: 16684786, 20730588, 26471271). This variant has not been reported in the literature in individuals with FLNA-related disease. This sequence change creates a premature translational stop signal (p.Met1952Ilefs*45) in the FLNA gene. It is expected to result in an absent or disrupted protein product.

Literature cited by the submitters: PubMed 16684786; PubMed 20730588; PubMed 26471271.